The following is an entry in ClinVar:

NM_006030.4(CACNA2D2):c.1269_1270del (p.Phe424fs)

Gene: CACNA2D2 (calcium voltage-gated channel auxiliary subunit alpha2delta 2; minus strand). Cytogenetic location: 3p21.31.
Variant type: Microsatellite.
Coding change: c.1269_1270del on transcript NM_006030.4 (MANE Select); coding-DNA positions 1269 to 1270, 2 bases deleted (GT; older notation c.1269_1270delGT).
Protein change: p.Phe424fs; shifts the reading frame from phenylalanine 424.
Molecular consequence: frameshift variant.
Genome position (GRCh38, 1-based): chr3:50,378,984-50,378,985, AC deleted on the plus strand (GT on the coding strand, the reverse complement: CACNA2D2 is on the minus strand); deleting any 2 consecutive bases within chr3:50,378,984-50,378,987 gives the same sequence; the c. name uses the placement nearest the transcript's 3' end. VCF-style (leftmost placement, unchanged base first): chr3-50378983-AAC-A. GRCh37 (hg19) VCF-style: chr3-50416414-AAC-A.
Other names: c.1269_1270del, p.Phe424fs (NM_001005505.3, NM_001174051.3, NM_001410768.1); c.1062_1063del, p.Phe355fs (NM_001291101.1); short protein forms F355fs, F424fs.
Identifiers: ClinVar variation 2759836 (VCV002759836.3), dbSNP rs2471027650, ClinGen allele CA2697550982.

ClinVar aggregate classification (germline): Pathogenic (1 of 4 stars; one submission).

Conditions:
Early-infantile DEE. Also called: Ohtahara syndrome; Early infantile epileptic encephalopathy; Early infantile epileptic encephalopathy with suppression bursts. Identifiers: Orphanet 1934, MedGen C0393706, MONDO:0800491.

Submission:

Labcorp Genetics (formerly Invitae), Labcorp
Classification: Pathogenic for Early-infantile DEE. Last evaluated: 2023-09-10. Review status: criteria provided, single submitter. Criteria: Invitae Variant Classification Sherloc (09022015). Collection method: clinical testing. Allele origin: germline.
Comment: This variant is not present in population databases (gnomAD no frequency). For these reasons, this variant has been classified as Pathogenic. This variant has not been reported in the literature in individuals affected with CACNA2D2-related conditions. This sequence change creates a premature translational stop signal (p.Phe424Tyrfs*8) in the CACNA2D2 gene. It is expected to result in an absent or disrupted protein product. Loss-of-function variants in CACNA2D2 are known to be pathogenic (PMID: 24358150).

Literature cited by the submitters: PubMed 24358150.